The following is an entry in ClinVar:

ClinVar aggregate classification (germline): Uncertain significance (1 of 4 stars; one submission).

Submission:

Labcorp Genetics (formerly Invitae), Labcorp
Classification: Uncertain significance. Last evaluated: 2022-10-07. Review status: criteria provided, single submitter. Criteria: Invitae Variant Classification Sherloc (09022015). Collection method: clinical testing. Allele origin: germline.
Comment: In summary, the available evidence is currently insufficient to determine the role of this variant in disease. Therefore, it has been classified as a Variant of Uncertain Significance. This variant has not been reported in the literature in individuals affected with LOXL3-related conditions. This variant is not present in population databases (gnomAD no frequency). This sequence change creates a premature translational stop signal (p.Cys386*) in the LOXL3 gene. It is expected to result in an absent or disrupted protein product. However, the current clinical and genetic evidence is not sufficient to establish whether loss-of-function variants in LOXL3 cause disease.

NM_032603.5(LOXL3):c.1158C>A (p.Cys386Ter)

Gene: LOXL3 (lysyl oxidase like 3; minus strand). Cytogenetic location: 2p13.1.
Variant type: single nucleotide variant.
Coding change: c.1158C>A on transcript NM_032603.5 (MANE Select); coding-DNA position 1158, C replaced by A.
Protein change: p.Cys386Ter; replaces cysteine 386 with a stop codon.
Molecular consequence: nonsense.
Genome position (GRCh38, 1-based): chr2:74,536,086, G>T on the plus strand (C>A on the coding strand, the complement: LOXL3 is on the minus strand). VCF-style: chr2-74536086-G-T. GRCh37 (hg19) VCF-style: chr2-74763213-G-T.
Other names: c.723C>A, p.Cys241Ter (NM_001289164.3); c.75C>A, p.Cys25Ter (NM_001289165.2); short protein forms C25*, C241*, C386*.
Identifiers: ClinVar variation 2034475 (VCV002034475.4), dbSNP rs2529944897, ClinGen allele CA347388671.